The following is an entry in ClinVar:

NM_002303.6(LEPR):c.3090G>A (p.Glu1030=)

Gene: LEPR (leptin receptor; plus strand). Cytogenetic location: 1p31.3.
Variant type: single nucleotide variant.
Coding change: c.3090G>A on transcript NM_002303.6 (MANE Select); coding-DNA position 3090, G replaced by A.
Protein change: p.Glu1030=; no amino-acid change (glutamic acid 1030 retained).
Molecular consequence: synonymous variant.
Genome position (GRCh38, 1-based): chr1:65,636,607, G>A. VCF-style: chr1-65636607-G-A. GRCh37 (hg19) VCF-style: chr1-66102290-G-A.
Identifiers: ClinVar variation 2044792 (VCV002044792.6), dbSNP rs372019263, ClinGen allele CA895220.
Genomic context (GRCh38, chr1:65,636,607, plus strand): 5'-CAAGTGCTTCTCTAGCAAAAATTCTCCGTTGAAGGATTCTTTCTCTAATAGCTCATGGGA[G>A]ATAGAGGCCCAGGCATTTTTTATATTATCAGATCAGCATCCCAACATAATTTCACCACAC-3'
Protein context (NP_002294.2, residues 1020-1040): LKDSFSNSSW[Glu1030=]IEAQAFFILS

ClinVar aggregate classification (germline): Likely benign. Review status: criteria provided, single submitter (1 of 4 stars). 2 submissions from 2 submitters: Likely benign (1). 1 of the submissions does not count toward it. Last evaluated 2024-12-16.

Conditions:
LEPR-related disorder. Also called: LEPR-related condition; LEPR-related disorders.

Allele frequency attached by ClinVar (database versions not stated): gnomAD exomes 0.00002; ExAC 0.00003; TOPMed 0.00003; gnomAD 0.00005; ESP Exome Variant Server 0.00008.
gnomAD v4.1: 41 of 1,613,708 alleles (0.0025%); highest among the groups gnomAD compares: Non-Finnish European, 0.0031%; no homozygotes.

Submissions (2):

Labcorp Genetics (formerly Invitae), Labcorp
Classification: Likely benign. Last evaluated: 2024-12-16. Review status: criteria provided, single submitter. Criteria: Invitae Variant Classification Sherloc (09022015). Collection method: clinical testing. Allele origin: germline.

PreventionGenetics, part of Exact Sciences
Classification: Likely benign for LEPR-related condition. Last evaluated: 2021-04-19. Review status: no assertion criteria provided. Collection method: clinical testing. Allele origin: germline. Not counted in ClinVar's aggregate classification.
Comment: This variant is classified as likely benign based on ACMG/AMP sequence variant interpretation guidelines (Richards et al. 2015 PMID: 25741868, with internal and published modifications).